The following is an entry in ClinVar:

ClinVar aggregate classification (germline): Benign/Likely benign. Review status: criteria provided, multiple submitters, no conflicts (2 of 4 stars). 3 submissions from 3 submitters: Benign (1); Likely benign (1). 1 of the submissions does not count toward it. Last evaluated 2026-01-06.

Conditions:
GAS8-related disorder. Also called: GAS8-related condition.
Primary ciliary dyskinesia 33. Also called: CILIARY DYSKINESIA, PRIMARY, 33, WITHOUT SITUS INVERSUS. Identifiers: Orphanet 244, MedGen C4225230, MONDO:0014750, OMIM 616726.

Allele frequency attached by ClinVar (database versions not stated): gnomAD exomes 0.00031 and 0.00060; ExAC 0.00191; 1000 Genomes Project 0.00200; 1000 Genomes Project 30x 0.00219; gnomAD 0.00255 and 0.00272; ESP Exome Variant Server 0.00270; TOPMed 0.00286.
gnomAD v4.1: 833 of 1,590,618 alleles (0.052%); highest among the groups gnomAD compares: African/African-American, 0.88%; 1 homozygote.

Submissions (3):

Labcorp Genetics (formerly Invitae), Labcorp
Classification: Benign for Primary ciliary dyskinesia 33. Last evaluated: 2026-01-06. Review status: criteria provided, single submitter. Criteria: Invitae Variant Classification Sherloc (09022015). Collection method: clinical testing. Allele origin: germline.

Blueprint Genetics
Classification: Likely benign. Last evaluated: 2024-11-27. Review status: criteria provided, single submitter. Criteria: ACMG Guidelines, 2015. Collection method: clinical testing. Allele origin: germline.

PreventionGenetics, part of Exact Sciences
Classification: Benign for GAS8-related condition. Last evaluated: 2019-08-29. Review status: no assertion criteria provided. Collection method: clinical testing. Allele origin: germline. Not counted in ClinVar's aggregate classification.
Comment: This variant is classified as benign based on ACMG/AMP sequence variant interpretation guidelines (Richards et al. 2015 PMID: 25741868, with internal and published modifications).

NM_001481.3(DRC4):c.1029C>T (p.Asp343=)

Gene: DRC4 (dynein regulatory complex subunit 4; plus strand). Cytogenetic location: 16q24.3.
Variant type: single nucleotide variant.
Coding change: c.1029C>T on transcript NM_001481.3 (MANE Select); coding-DNA position 1029, C replaced by T.
Protein change: p.Asp343=; no amino-acid change (aspartic acid 343 retained).
Molecular consequence: synonymous variant. On other transcripts: non-coding transcript variant (1).
Genome position (GRCh38, 1-based): chr16:90,040,317, C>T. VCF-style: chr16-90040317-C-T. GRCh37 (hg19) VCF-style: chr16-90106725-C-T.
Other names: c.780C>T, p.Asp260= (NM_001286205.2); c.453C>T, p.Asp151= (NM_001286208.2); c.954C>T, p.Asp318= (NM_001286209.2).
Identifiers: ClinVar variation 707699 (VCV000707699.14), dbSNP rs7205066, ClinGen allele CA8258083.